The following is an entry in ClinVar:

ClinVar aggregate classification (germline): Likely benign. Review status: criteria provided, multiple submitters, no conflicts (2 of 4 stars). 2 submissions from 2 submitters: Likely benign (2). Last evaluated 2026-08-01.

Allele frequency attached by ClinVar (database versions not stated): 1000 Genomes Project 30x 0.00125; 1000 Genomes Project 0.00140; gnomAD exomes 0.00292 and 0.00537; gnomAD 0.00324 and 0.00341; TOPMed 0.00327; ExAC 0.00355; ESP Exome Variant Server 0.00411.
gnomAD v4.1: 8,106 of 1,584,366 alleles (0.51%); highest among the groups gnomAD compares: Non-Finnish European, 0.65%; 30 homozygotes.

Submissions (2):

CeGaT Center for Human Genetics Tuebingen
Classification: Likely benign. Last evaluated: 2026-08-01. Review status: criteria provided, single submitter. Criteria: CeGaT Center For Human Genetics Tuebingen Variant Classification Criteria Version 2. Collection method: clinical testing. Allele origin: germline. Affected: yes. Observed: 14 variant alleles.
Comment: DOCK4: BS2

Labcorp Genetics (formerly Invitae), Labcorp
Classification: Likely benign. Last evaluated: 2019-12-31. Review status: criteria provided, single submitter. Criteria: Invitae Variant Classification Sherloc (09022015). Collection method: clinical testing. Allele origin: germline.

NM_001363540.2(DOCK4):c.5777C>T (p.Pro1926Leu)

Gene: DOCK4 (dedicator of cytokinesis 4; minus strand). Cytogenetic location: 7q31.1.
Variant type: single nucleotide variant.
Coding change: c.5777C>T on transcript NM_001363540.2 (MANE Select); coding-DNA position 5777, C replaced by T.
Protein change: p.Pro1926Leu; replaces proline 1926 with leucine.
Molecular consequence: missense variant.
Genome position (GRCh38, 1-based): chr7:111,728,425, G>A on the plus strand (C>T on the coding strand, the complement: DOCK4 is on the minus strand). VCF-style: chr7-111728425-G-A. GRCh37 (hg19) VCF-style: chr7-111368481-G-A.
Other names: c.5750C>T, p.Pro1917Leu (NM_014705.4); short protein forms P1926L, P1917L.
Identifiers: ClinVar variation 719177 (VCV000719177.17), dbSNP rs199706346, ClinGen allele CA4441118.
Genomic context (GRCh38, chr7:111,728,425, plus strand): 5'-GCCAGAGGCTTGGGGGGCAGCGCGGGCGGCTCCGACGTGACGGGGATGGAGAGGCTGTGA[G>A]GTAGCGGGACGGGGCGCCGCAGAGTCCGCTCGTAGACGCTGTACGGGGGCGGAGTCTTGC-3'
Protein context (NP_001350469.1, residues 1916-1936): ERTLRRPVPL[Pro1926Leu]HSLSIPVTSE